The following is an entry in ClinVar:

ClinVar aggregate classification (germline): Uncertain significance (1 of 4 stars; one submission).

gnomAD v4.1: 40 of 1,489,200 alleles (0.0027%); highest among the groups gnomAD compares: Non-Finnish European, 0.0035%; no homozygotes.

Submission:

Women's Health and Genetics/Laboratory Corporation of America, LabCorp
Classification: Uncertain significance. Last evaluated: 2024-07-15. Review status: criteria provided, single submitter. Criteria: LabCorp Variant Classification Summary - May 2015. Collection method: clinical testing. Allele origin: germline.
Comment: Variant summary: VWF c.3118G>T (p.Asp1040Tyr) results in a non-conservative amino acid change in the encoded protein sequence. Four of five in-silico tools predict a damaging effect of the variant on protein function. The variant allele was found at a frequency of 2.1e-05 in 187714 control chromosomes. The available data on variant occurrences in the general population are insufficient to allow any conclusion about variant significance. To our knowledge, no occurrence of c.3118G>T in individuals affected with Von Willebrand Disease and no experimental evidence demonstrating its impact on protein function have been reported. No submitters have cited clinical-significance assessments for this variant to ClinVar. Based on the evidence outlined above, the variant was classified as uncertain significance.

NM_000552.5(VWF):c.3118G>T (p.Asp1040Tyr)

Gene: VWF (von Willebrand factor; minus strand). Cytogenetic location: 12p13.31.
Variant type: single nucleotide variant.
Coding change: c.3118G>T on transcript NM_000552.5 (MANE Select); coding-DNA position 3118, G replaced by T.
Protein change: p.Asp1040Tyr; replaces aspartic acid 1040 with tyrosine.
Molecular consequence: missense variant.
Genome position (GRCh38, 1-based): chr12:6,025,684, C>A on the plus strand (G>T on the coding strand, the complement: VWF is on the minus strand). VCF-style: chr12-6025684-C-A. GRCh37 (hg19) VCF-style: chr12-6134850-C-A.
Other names: short protein forms D1040Y.
Identifiers: ClinVar variation 3339498 (VCV003339498.1).
Genomic context (GRCh38, chr12:6,025,684, plus strand): 5'-AGGAGGAATCCACCATCGTCTGCTTCATGATGTTGTTATGGCAGGTGGCAGGGGATGAGT[C>A]CAGAGGCACCTGGGAACCAGGCAAGAGATAGGCCAGCCGTCAGCTGGTCAAACTGGGGTT-3'
Protein context (NP_000543.3, residues 1030-1050): QCADTRKVPL[Asp1040Tyr]SSPATCHNNI